The following is an entry in ClinVar:

ClinVar aggregate classification (germline): Uncertain significance (1 of 4 stars; one submission).

Allele frequency attached by ClinVar (database versions not stated): TOPMed below 0.00001; gnomAD 0.00001.

Submission:

GeneDx
Classification: Uncertain significance. Last evaluated: 2017-04-03. Review status: criteria provided, single submitter. Criteria: GeneDx Variant Classification (06012015). Collection method: clinical testing. Allele origin: germline. Affected: yes.
Comment: The E470K variant in the NSMF gene has not been reported previously as a pathogenic variant, nor as a benign variant, to our knowledge. The E470K variant is not observed in large population cohorts (Lek et al., 2016; 1000 Genomes Consortium et al., 2015; Exome Variant Server). The E470K variant is a non-conservative amino acid substitution, which is likely to impact secondary protein structure as these residues differ in polarity, charge, size and/or other properties. This substitution occurs at a position that is conserved across species. In silico analysis is inconsistent in its predictions as to whether or not the variant is damaging to the protein structure/function. We interpret E470K as a variant of uncertain significance.

NM_001130969.3(NSMF):c.1414G>A (p.Glu472Lys)

Genes: NSMF (NMDA receptor synaptonuclear signaling and neuronal migration factor; minus strand), LOC126860797 (MED14-independent group 3 enhancer GRCh37_chr9:140343721-140344920; plus strand). Cytogenetic location: 9q34.3.
Variant type: single nucleotide variant.
Coding change: c.1414G>A on transcript NM_001130969.3 (MANE Select); coding-DNA position 1414, G replaced by A.
Protein change: p.Glu472Lys; replaces glutamic acid 472 with lysine.
Molecular consequence: missense variant.
Genome position (GRCh38, 1-based): chr9:137,449,928, C>T on the plus strand (G>A on the coding strand, the complement: NSMF is on the minus strand). VCF-style: chr9-137449928-C-T. GRCh37 (hg19) VCF-style: chr9-140344380-C-T.
Other names: c.1345G>A, p.Glu449Lys (NM_001130970.2); c.1339G>A, p.Glu447Lys (NM_001130971.2); c.1324G>A, p.Glu442Lys (NM_001178064.2); c.1408G>A, p.Glu470Lys (NM_015537.5); short protein forms E470K, E472K, E447K, E449K, E442K.
Identifiers: ClinVar variation 426818 (VCV000426818.2), dbSNP rs1085307813, ClinGen allele CA375754270.